The following is an entry in ClinVar:

ClinVar aggregate classification (germline): Uncertain significance (1 of 4 stars; one submission).

Allele frequency attached by ClinVar (database versions not stated): gnomAD exomes below 0.00001; ExAC 0.00001.
gnomAD v4.1: 3 of 1,614,144 alleles (0.00019%); highest among the groups gnomAD compares: Non-Finnish European, 0.00025%; no homozygotes.

Submission:

Women's Health and Genetics/Laboratory Corporation of America, LabCorp
Classification: Uncertain significance. Last evaluated: 2024-04-12. Review status: criteria provided, single submitter. Criteria: LabCorp Variant Classification Summary - May 2015. Collection method: clinical testing. Allele origin: germline.
Comment: Variant summary: GNE c.1619A>G (p.His540Arg) results in a non-conservative amino acid change in the encoded protein sequence. Three of five in-silico tools predict a damaging effect of the variant on protein function. The variant allele was found at a frequency of 4e-06 in 251494 control chromosomes. The available data on variant occurrences in the general population are insufficient to allow any conclusion about variant significance. To our knowledge, no occurrence of c.1619A>G in individuals affected with Inclusion Body Myopathy 2 and no experimental evidence demonstrating its impact on protein function have been reported. No submitters have cited clinical-significance assessments for this variant to ClinVar. Based on the evidence outlined above, the variant was classified as uncertain significance.

NM_005476.7(GNE):c.1526A>G (p.His509Arg)

Gene: GNE (glucosamine (UDP-N-acetyl)-2-epimerase/N-acetylmannosamine kinase; minus strand). Cytogenetic location: 9p13.3.
Variant type: single nucleotide variant.
Coding change: c.1526A>G on transcript NM_005476.7 (MANE Select); coding-DNA position 1526, A replaced by G.
Protein change: p.His509Arg; replaces histidine 509 with arginine.
Molecular consequence: missense variant. On other transcripts: intron variant (1).
Genome position (GRCh38, 1-based): chr9:36,222,884, T>C on the plus strand (A>G on the coding strand, the complement: GNE is on the minus strand). VCF-style: chr9-36222884-T-C. GRCh37 (hg19) VCF-style: chr9-36222881-T-C.
Other names: c.1411+489A>G (NM_001190383.3); c.1619A>G, p.His540Arg (NM_001128227.3); c.1196A>G, p.His399Arg (NM_001190384.3); c.1349A>G, p.His450Arg (NM_001190388.2, NM_001374798.1); c.1373A>G, p.His458Arg (NM_001374797.1); short protein forms H399R, H450R, H458R, H509R, H540R.
Identifiers: ClinVar variation 3251325 (VCV003251325.1), dbSNP rs751302642.